The following is an entry in ClinVar:

ClinVar aggregate classification (germline): Uncertain significance (1 of 4 stars; one submission).

Submission:

Labcorp Genetics (formerly Invitae), Labcorp
Classification: Uncertain significance. Last evaluated: 2024-07-27. Review status: criteria provided, single submitter. Criteria: Invitae Variant Classification Sherloc (09022015). Collection method: clinical testing. Allele origin: germline.
Comment: This sequence change replaces alanine, which is neutral and non-polar, with proline, which is neutral and non-polar, at codon 161 of the EGF protein (p.Ala161Pro). This variant is not present in population databases (gnomAD no frequency). This variant has not been reported in the literature in individuals affected with EGF-related conditions. An algorithm developed to predict the effect of missense changes on protein structure and function (PolyPhen-2) suggests that this variant is likely to be disruptive. In summary, the available evidence is currently insufficient to determine the role of this variant in disease. Therefore, it has been classified as a Variant of Uncertain Significance.

NM_001963.6(EGF):c.481G>C (p.Ala161Pro)

Gene: EGF (epidermal growth factor; plus strand). Cytogenetic location: 4q25.
Variant type: single nucleotide variant.
Coding change: c.481G>C on transcript NM_001963.6 (MANE Select); coding-DNA position 481, G replaced by C.
Protein change: p.Ala161Pro; replaces alanine 161 with proline.
Molecular consequence: missense variant.
Genome position (GRCh38, 1-based): chr4:109,943,407, G>C. VCF-style: chr4-109943407-G-C. GRCh37 (hg19) VCF-style: chr4-110864563-G-C.
Other names: c.481G>C, p.Ala161Pro (NM_001178130.3, NM_001178131.3, NM_001357021.2); short protein forms A161P.
Identifiers: ClinVar variation 3624217 (VCV003624217.2).
Genomic context (GRCh38, chr4:109,943,407, plus strand): 5'-ACAGTAACAGATATGAAAGGAAATAATTCCCACATTCTTTTAAGTGCTTTAAAATATCCT[G>C]CAAATGTAGCAGTTGATCCAGTAGAAAGGTAAATTCTGCTGTATTCAGACATTGAAATAT-3'
Protein context (NP_001954.2, residues 151-171): HILLSALKYP[Ala161Pro]NVAVDPVERF